The following is an entry in ClinVar:

NM_002439.5(MSH3):c.623C>T (p.Thr208Ile)

Gene: MSH3 (mutS homolog 3; plus strand). Cytogenetic location: 5q14.1.
Variant type: single nucleotide variant.
Coding change: c.623C>T on transcript NM_002439.5 (MANE Select); coding-DNA position 623, C replaced by T.
Protein change: p.Thr208Ile; replaces threonine 208 with isoleucine.
Molecular consequence: missense variant.
Genome position (GRCh38, 1-based): chr5:80,670,140, C>T. VCF-style: chr5-80670140-C-T. GRCh37 (hg19) VCF-style: chr5-79965959-C-T.
Other names: short protein forms T208I.
Identifiers: ClinVar variation 663622 (VCV000663622.9), dbSNP rs1351133532, ClinGen allele CA360266436.

ClinVar aggregate classification (germline): Uncertain significance. Review status: criteria provided, multiple submitters, no conflicts (2 of 4 stars). 2 submissions from 2 submitters: Uncertain significance (2). Last evaluated 2025-01-28.

Conditions:
Hereditary cancer-predisposing syndrome. Also called: Neoplastic Syndromes, Hereditary; Tumor predisposition; Hereditary neoplastic syndrome; Hereditary Cancer Syndrome. Identifiers: Orphanet 140162, MedGen C0027672, MeSH D009386, MONDO:0015356.

Allele frequency attached by ClinVar (database versions not stated): gnomAD exomes below 0.00001.
gnomAD v4.1: 2 of 1,614,106 alleles (0.00012%); highest among the groups gnomAD compares: Non-Finnish European, 0.00017%; no homozygotes.

Submissions (2):

Labcorp Genetics (formerly Invitae), Labcorp
Classification: Uncertain significance. Last evaluated: 2025-01-28. Review status: criteria provided, single submitter. Criteria: Invitae Variant Classification Sherloc (09022015). Collection method: clinical testing. Allele origin: germline.
Comment: This sequence change replaces threonine, which is neutral and polar, with isoleucine, which is neutral and non-polar, at codon 208 of the MSH3 protein (p.Thr208Ile). This variant is present in population databases (no rsID available, gnomAD 0.0009%). This variant has not been reported in the literature in individuals affected with MSH3-related conditions. ClinVar contains an entry for this variant (Variation ID: 663622). An algorithm developed to predict the effect of missense changes on protein structure and function (PolyPhen-2) suggests that this variant is likely to be tolerated. In summary, the available evidence is currently insufficient to determine the role of this variant in disease. Therefore, it has been classified as a Variant of Uncertain Significance.

Ambry Genetics
Classification: Uncertain significance for Hereditary cancer-predisposing syndrome. Last evaluated: 2022-05-18. Review status: criteria provided, single submitter. Criteria: Ambry Variant Classification Scheme 2023. Collection method: clinical testing. Allele origin: germline.
Comment: The p.T208I variant (also known as c.623C>T), located in coding exon 4 of the MSH3 gene, results from a C to T substitution at nucleotide position 623. The threonine at codon 208 is replaced by isoleucine, an amino acid with similar properties. This amino acid position is conserved. In addition, this alteration is predicted to be tolerated by in silico analysis. Since supporting evidence is limited at this time, the clinical significance of this alteration remains unclear.